The following is an entry in ClinVar:

NM_004082.5(DCTN1):c.608C>T (p.Ser203Phe)

Gene: DCTN1 (dynactin subunit 1; minus strand). Cytogenetic location: 2p13.1.
Variant type: single nucleotide variant.
Coding change: c.608C>T on transcript NM_004082.5 (MANE Select); coding-DNA position 608, C replaced by T.
Protein change: p.Ser203Phe; replaces serine 203 with phenylalanine.
Molecular consequence: missense variant. On other transcripts: non-coding transcript variant (1).
Genome position (GRCh38, 1-based): chr2:74,371,574, G>A on the plus strand (C>T on the coding strand, the complement: DCTN1 is on the minus strand). VCF-style: chr2-74371574-G-A. GRCh37 (hg19) VCF-style: chr2-74598701-G-A.
Other names: c.548C>T, p.Ser183Phe (NM_001135040.3); c.206C>T, p.Ser69Phe (NM_001135041.3, NM_023019.4); c.497C>T, p.Ser166Phe (NM_001190836.2); c.587C>T, p.Ser196Phe (NM_001190837.2); c.557C>T, p.Ser186Phe (NM_001378991.1); c.539C>T, p.Ser180Phe (NM_001378992.1); short protein forms S180F, S203F, S69F, S166F, S186F, S183F, S196F.
Identifiers: ClinVar variation 4783537 (VCV004783537.1).

ClinVar aggregate classification (germline): Uncertain significance (1 of 4 stars; one submission).

Conditions:
Amyotrophic lateral sclerosis type 1 (ALS1). Also called: AMYOTROPHIC LATERAL SCLEROSIS 1, FAMILIAL. Identifiers: Orphanet 803, MedGen C1862939, MONDO:0007103, OMIM 105400.
Neuronopathy, distal hereditary motor, type 7B. Also called: NEURONOPATHY, DISTAL HEREDITARY MOTOR, AUTOSOMAL DOMINANT 14; NEURONOPATHY, DISTAL HEREDITARY MOTOR, HARDING TYPE VIIB; NEUROPATHY, DISTAL HEREDITARY MOTOR, HARDING TYPE VIIB; NEUROPATHY, DISTAL HEREDITARY MOTOR, WITH VOCAL CORD PARALYSIS, HARDING TYPE VIIB; Distal Hereditary Motor Neuronopathy Type 7B (dHMN7B); HMN VIIB. Identifiers: Orphanet 139589, MedGen C1843315, MONDO:0011879, OMIM 607641.
Perry syndrome. Also called: PARKINSONISM WITH ALVEOLAR HYPOVENTILATION AND MENTAL DEPRESSION. Identifiers: Orphanet 178509, MedGen C1868594, MONDO:0008201, OMIM 168605.

gnomAD v4.1: 1 of 1,585,924 alleles (0.000063%); highest among the groups gnomAD compares: South Asian, 0.0012%; no homozygotes.

Submission:

Labcorp Genetics (formerly Invitae), Labcorp
Classification: Uncertain significance for Amyotrophic lateral sclerosis type 1; Neuronopathy, distal hereditary motor, type 7B; Perry syndrome. Last evaluated: 2025-04-11. Review status: criteria provided, single submitter. Criteria: Invitae Variant Classification Sherloc (09022015). Collection method: clinical testing. Allele origin: germline.
Comment: This sequence change replaces serine, which is neutral and polar, with phenylalanine, which is neutral and non-polar, at codon 203 of the DCTN1 protein (p.Ser203Phe). This variant is not present in population databases (gnomAD no frequency). This variant has not been reported in the literature in individuals affected with DCTN1-related conditions. Invitae Evidence Modeling of protein sequence and biophysical properties (such as structural, functional, and spatial information, amino acid conservation, physicochemical variation, residue mobility, and thermodynamic stability) indicates that this missense variant is not expected to disrupt DCTN1 protein function with a negative predictive value of 95%. In summary, the available evidence is currently insufficient to determine the role of this variant in disease. Therefore, it has been classified as a Variant of Uncertain Significance.